The following is an entry in ClinVar:

NM_206933.4(USH2A):c.10829G>A (p.Trp3610Ter)

Gene: USH2A (usherin; minus strand). Cytogenetic location: 1q41.
Variant type: single nucleotide variant.
Coding change: c.10829G>A on transcript NM_206933.4 (MANE Select); coding-DNA position 10829, G replaced by A.
Protein change: p.Trp3610Ter; replaces tryptophan 3610 with a stop codon.
Molecular consequence: nonsense.
Genome position (GRCh38, 1-based): chr1:215,779,953, C>T on the plus strand (G>A on the coding strand, the complement: USH2A is on the minus strand). VCF-style: chr1-215779953-C-T. GRCh37 (hg19) VCF-style: chr1-215953295-C-T.
Other names: short protein forms W3610*.
Identifiers: ClinVar variation 1076741 (VCV001076741.7), dbSNP rs2102760660, ClinGen allele CA344833996.
Genomic context (GRCh38, chr1:215,779,953, plus strand): 5'-TTCCCAACCTGCCTGATCTGGTACTCTTTAATGACGCCGTTTGATTTCTCAGGGACACTC[C>T]AGCTCAGATGCAGAGCCACTGCACTTAGGGCTGTGATGCTTGGTGGCAGGATGCTCTCCG-3'

ClinVar aggregate classification (germline): Pathogenic (1 of 4 stars; one submission).

Allele frequency attached by ClinVar (database versions not stated): gnomAD exomes below 0.00001.
gnomAD v4.1: 1 of 1,614,130 alleles (0.000062%); highest among the groups gnomAD compares: Non-Finnish European, 0.000085%; no homozygotes.

Submission:

Labcorp Genetics (formerly Invitae), Labcorp
Classification: Pathogenic. Last evaluated: 2020-10-02. Review status: criteria provided, single submitter. Criteria: Invitae Variant Classification Sherloc (09022015). Collection method: clinical testing. Allele origin: germline.
Comment: For these reasons, this variant has been classified as Pathogenic. This sequence change creates a premature translational stop signal (p.Trp3610*) in the USH2A gene. It is expected to result in an absent or disrupted protein product. This variant is not present in population databases (ExAC no frequency). This variant has not been reported in the literature in individuals with USH2A-related conditions. Loss-of-function variants in USH2A are known to be pathogenic (PMID: 10729113, 10909849, 20507924, 25649381).

Literature cited by the submitters: PubMed 10729113; PubMed 10909849; PubMed 20507924; PubMed 25649381.